The following is an entry in ClinVar:

NM_000719.7(CACNA1C):c.5739C>A (p.Asp1913Glu)

Genes: CACNA1C (calcium voltage-gated channel subunit alpha1 C; plus strand), CACNA1C-AS1 (CACNA1C antisense RNA 1; minus strand). Cytogenetic location: 12p13.33.
Variant type: single nucleotide variant.
Coding change: c.5739C>A on transcript NM_000719.7 (MANE Select); coding-DNA position 5739, C replaced by A.
Protein change: p.Asp1913Glu; replaces aspartic acid 1913 with glutamic acid.
Molecular consequence: missense variant.
Genome position (GRCh38, 1-based): chr12:2,686,224, C>A. VCF-style: chr12-2686224-C-A. GRCh37 (hg19) VCF-style: chr12-2795390-C-A.
Other names: c.5883C>A, p.Asp1961Glu (NM_001129827.2); c.5862C>A, p.Asp1954Glu (NM_001129829.2); c.5844C>A, p.Asp1948Glu (NM_001129830.3, NM_001167624.3); c.5823C>A, p.Asp1941Glu (NM_001129831.2); c.5799C>A, p.Asp1933Glu (NM_001129832.2); c.5796C>A, p.Asp1932Glu (NM_001129833.2, NM_001129834.2, NM_001129835.2); c.5790C>A, p.Asp1930Glu (NM_001129836.2); c.5763C>A, p.Asp1921Glu (NM_001129837.2, NM_001129838.2); and 6 more; short protein forms D1902E, D1910E, D1913E, D1919E, D1921E, D1930E, D1932E, D1933E.
Identifiers: ClinVar variation 1006347 (VCV001006347.9), dbSNP rs1391330801, ClinGen allele CA383382674.

ClinVar aggregate classification (germline): Uncertain significance (1 of 4 stars; one submission).

Conditions:
Long QT syndrome (LQTS). Identifiers: MedGen C0023976, MeSH D008133, MONDO:0002442. Disease mechanism: loss of function. Inheritance: Various modes of inheritance.

gnomAD v4.1: 1 of 1,613,550 alleles (0.000062%); highest among the groups gnomAD compares: Non-Finnish European, 0.000085%; no homozygotes.

Submission:

Labcorp Genetics (formerly Invitae), Labcorp
Classification: Uncertain significance for Long QT syndrome. Last evaluated: 2020-06-28. Review status: criteria provided, single submitter. Criteria: Invitae Variant Classification Sherloc (09022015). Collection method: clinical testing. Allele origin: germline.
Comment: In summary, the available evidence is currently insufficient to determine the role of this variant in disease. Therefore, it has been classified as a Variant of Uncertain Significance. Algorithms developed to predict the effect of missense changes on protein structure and function (SIFT, PolyPhen-2, Align-GVGD) all suggest that this variant is likely to be tolerated, but these predictions have not been confirmed by published functional studies and their clinical significance is uncertain. This variant has not been reported in the literature in individuals with CACNA1C-related conditions. This variant is not present in population databases (ExAC no frequency). This sequence change replaces aspartic acid with glutamic acid at codon 1913 of the CACNA1C protein (p.Asp1913Glu). The aspartic acid residue is weakly conserved and there is a small physicochemical difference between aspartic acid and glutamic acid.